The following is an entry in ClinVar:

NM_020856.4(TSHZ3):c.2286T>C (p.Ala762=)

Gene: TSHZ3 (teashirt zinc finger homeobox 3; minus strand). Cytogenetic location: 19q12.
Variant type: single nucleotide variant.
Coding change: c.2286T>C on transcript NM_020856.4 (MANE Select); coding-DNA position 2286, T replaced by C.
Protein change: p.Ala762=; no amino-acid change (alanine 762 retained).
Molecular consequence: synonymous variant.
Genome position (GRCh38, 1-based): chr19:31,277,507, A>G on the plus strand (T>C on the coding strand, the complement: TSHZ3 is on the minus strand). VCF-style: chr19-31277507-A-G. GRCh37 (hg19) VCF-style: chr19-31768413-A-G.
Identifiers: ClinVar variation 3053302 (VCV003053302.2), dbSNP rs762389494, ClinGen allele CA9354095.

ClinVar aggregate classification (germline): Likely benign (0 of 4 stars; one submission).

Conditions:
TSHZ3-related disorder. Also called: TSHZ3-related condition.

Allele frequency attached by ClinVar (database versions not stated): ExAC 0.00001; TOPMed 0.00001; gnomAD 0.00002; gnomAD exomes 0.00004.
gnomAD v4.1: 62 of 1,607,198 alleles (0.0039%); highest among the groups gnomAD compares: Middle Eastern, 0.017%; no homozygotes.

Submission:

PreventionGenetics, part of Exact Sciences
Classification: Likely benign for TSHZ3-related condition. Last evaluated: 2019-08-21. Review status: no assertion criteria provided. Collection method: clinical testing. Allele origin: germline.
Comment: This variant is classified as likely benign based on ACMG/AMP sequence variant interpretation guidelines (Richards et al. 2015 PMID: 25741868, with internal and published modifications).